The following is an entry in ClinVar:

NM_000051.4(ATM):c.3643G>A (p.Asp1215Asn)

Gene: ATM (ATM serine/threonine kinase; plus strand). Cytogenetic location: 11q22.3.
Variant type: single nucleotide variant.
Coding change: c.3643G>A on transcript NM_000051.4 (MANE Select); coding-DNA position 3643, G replaced by A.
Protein change: p.Asp1215Asn; replaces aspartic acid 1215 with asparagine.
Molecular consequence: missense variant.
Genome position (GRCh38, 1-based): chr11:108,282,776, G>A. VCF-style: chr11-108282776-G-A. GRCh37 (hg19) VCF-style: chr11-108153503-G-A.
Other names: c.3643G>A, p.Asp1215Asn (NM_001351834.2); short protein forms D1215N.
Identifiers: ClinVar variation 4747203 (VCV004747203.2).

ClinVar aggregate classification (germline): Uncertain significance. Review status: criteria provided, multiple submitters, no conflicts (2 of 4 stars). 2 submissions from 2 submitters: Uncertain significance (2). Last evaluated 2025-08-04.

Conditions:
Ataxia-telangiectasia syndrome (AT). Also called: ATAXIA-TELANGIECTASIA, FRESNO VARIANT; Ataxia-telangiectasia; Ataxia-telangiectasia, complementation group E; Ataxia telangiectasia (A-T); LOUIS-BAR SYNDROME; Cerebello-oculocutaneous telangiectasia. Identifiers: Orphanet 100, MedGen C0004135, MONDO:0008840, OMIM 208900.

gnomAD v4.1: 1 of 1,609,928 alleles (0.000062%); no homozygotes.

Submissions (2):

Labcorp Genetics (formerly Invitae), Labcorp
Classification: Uncertain significance for Ataxia-telangiectasia syndrome. Last evaluated: 2025-08-04. Review status: criteria provided, single submitter. Criteria: Invitae Variant Classification Sherloc (09022015). Collection method: clinical testing. Allele origin: germline.
Comment: This sequence change replaces aspartic acid, which is acidic and polar, with asparagine, which is neutral and polar, at codon 1215 of the ATM protein (p.Asp1215Asn). This variant is present in population databases (no rsID available, gnomAD 0.004%). This variant has not been reported in the literature in individuals affected with ATM-related conditions. Invitae Evidence Modeling of protein sequence and biophysical properties (such as structural, functional, and spatial information, amino acid conservation, physicochemical variation, residue mobility, and thermodynamic stability) indicates that this missense variant is not expected to disrupt ATM protein function with a negative predictive value of 95%. In summary, the available evidence is currently insufficient to determine the role of this variant in disease. Therefore, it has been classified as a Variant of Uncertain Significance.

Blueprint Genetics
Classification: Uncertain significance. Last evaluated: 2022-06-02. Review status: criteria provided, single submitter. Criteria: ACMG Guidelines, 2015. Collection method: clinical testing. Allele origin: germline.